The following is an entry in ClinVar:

ClinVar aggregate classification (germline): Uncertain significance (1 of 4 stars; one submission).

Submission:

GeneDx
Classification: Uncertain significance. Last evaluated: 2024-12-18. Review status: criteria provided, single submitter. Criteria: GeneDx Variant Classification Process June 2021. Collection method: clinical testing. Allele origin: germline. Affected: yes.
Comment: Not observed at significant frequency in large population cohorts (gnomAD); In silico analysis supports that this missense variant has a deleterious effect on protein structure/function; Has not been previously published as pathogenic or benign to our knowledge

NM_001100913.3(PACS2):c.2539A>T (p.Ile847Phe)

Gene: PACS2 (phosphofurin acidic cluster sorting protein 2; plus strand). Cytogenetic location: 14q32.33.
Variant type: single nucleotide variant.
Coding change: c.2539A>T on transcript NM_001100913.3 (MANE Select); coding-DNA position 2539, A replaced by T.
Protein change: p.Ile847Phe; replaces isoleucine 847 with phenylalanine.
Molecular consequence: missense variant.
Genome position (GRCh38, 1-based): chr14:105,393,278, A>T. VCF-style: chr14-105393278-A-T. GRCh37 (hg19) VCF-style: chr14-105859615-A-T.
Other names: c.2269A>T, p.Ile757Phe (NM_001243127.3); c.2494A>T, p.Ile832Phe (NM_015197.4); short protein forms I757F, I832F, I847F.
Identifiers: ClinVar variation 3906343 (VCV003906343.1).